The following is an entry in ClinVar:

ClinVar aggregate classification (germline): Uncertain significance (1 of 4 stars; one submission).

Allele frequency attached by ClinVar (database versions not stated): gnomAD exomes below 0.00001; gnomAD 0.00001; ExAC 0.00002; TOPMed 0.00002; 1000 Genomes Project 0.00020; 1000 Genomes Project 30x 0.00062.

Submission:

Ambry Genetics
Classification: Uncertain significance. Last evaluated: 2022-07-05. Review status: criteria provided, single submitter. Criteria: Ambry Variant Classification Scheme 2023. Collection method: clinical testing. Allele origin: germline.
Comment: The p.I194L variant (also known as c.580A>C), located in coding exon 7 of the RAD54L gene, results from an A to C substitution at nucleotide position 580. The isoleucine at codon 194 is replaced by leucine, an amino acid with highly similar properties. This amino acid position is conserved. In addition, this alteration is predicted to be deleterious by in silico analysis. Since supporting evidence is limited at this time, the clinical significance of this alteration remains unclear.

NM_003579.4(RAD54L):c.580A>C (p.Ile194Leu)

Gene: RAD54L (RAD54 like; plus strand). Cytogenetic location: 1p34.1.
Variant type: single nucleotide variant.
Coding change: c.580A>C on transcript NM_003579.4 (MANE Select); coding-DNA position 580, A replaced by C.
Protein change: p.Ile194Leu; replaces isoleucine 194 with leucine.
Molecular consequence: missense variant.
Genome position (GRCh38, 1-based): chr1:46,260,829, A>C. VCF-style: chr1-46260829-A-C. GRCh37 (hg19) VCF-style: chr1-46726501-A-C.
Other names: c.580A>C, p.Ile194Leu (NM_001142548.2); c.40A>C, p.Ile14Leu (NM_001370766.1); short protein forms I194L, I14L.
Identifiers: ClinVar variation 1749827 (VCV001749827.2), dbSNP rs188588420, ClinGen allele CA834304.
Genomic context (GRCh38, chr1:46,260,829, plus strand): 5'-CCTGGCAGCCATGGCTGCATCATGGCTGATGAGATGGGCCTAGGAAAGACGCTGCAGTGC[A>C]TCACATTGATGTGGACACTTTTACGCCAGAGTCCAGAGTGCAAGCCAGAAATTGACAAGG-3'
Protein context (NP_003570.2, residues 184-204): EMGLGKTLQC[Ile194Leu]TLMWTLLRQS